The following is an entry in ClinVar:

NM_001324418.2(ADAM22):c.2888C>T (p.Ser963Phe)

Gene: ADAM22 (ADAM metallopeptidase domain 22; plus strand). Cytogenetic location: 7q21.12.
Variant type: single nucleotide variant.
Coding change: c.2888C>T on transcript NM_001324418.2 (MANE Select); coding-DNA position 2888, C replaced by T.
Protein change: p.Ser963Phe; replaces serine 963 with phenylalanine.
Molecular consequence: missense variant.
Genome position (GRCh38, 1-based): chr7:88,196,484, C>T. VCF-style: chr7-88196484-C-T. GRCh37 (hg19) VCF-style: chr7-87825799-C-T.
Other names: c.2603C>T, p.Ser868Phe (NM_001324417.2); c.2885C>T, p.Ser962Phe (NM_001324419.2); c.2801C>T, p.Ser934Phe (NM_001324420.2); c.2482C>T, p.Pro828Ser (NM_001324421.2); c.2855C>T, p.Ser952Phe (NM_001391975.1); c.2825C>T, p.Ser942Phe (NM_001391976.1); c.2717C>T, p.Ser906Phe (NM_001391977.1); c.2714C>T, p.Ser905Phe (NM_001391978.1, NM_021723.5); and 6 more; short protein forms P828S, S861F, S862F, S868F, S869F, S886F, S898F, S904F.
Identifiers: ClinVar variation 1713132 (VCV001713132.3), dbSNP rs2536800069, ClinGen allele CA368072630.
Genomic context (GRCh38, chr7:88,196,484, plus strand): 5'-GCTTCCTGCTTTCACAATGTGCAATTTTGCTCTTTTCTGTTGTGCAGCTATGGGAGACAT[C>T]CATTTAAGATCAACTGTTTACATGTGATACATCGAAAACTGTTTACTTCAACTTTTATAG-3'
Protein context (NP_001311347.1, residues 953-964): NRQSARLWET[Ser963Phe]I

ClinVar aggregate classification (germline): Conflicting classifications of pathogenicity. Review status: criteria provided, conflicting classifications (1 of 4 stars). 2 submissions from 2 submitters: Pathogenic (1); Uncertain significance (1). Last evaluated 2022-11-17.

Conditions:
Developmental and epileptic encephalopathy, 61. Also called: Early infantile epileptic encephalopathy 61. Identifiers: MedGen C4693688, MONDO:0033370, OMIM 617933.

gnomAD v4.1: 9 of 1,614,094 alleles (0.00056%); highest among the groups gnomAD compares: Non-Finnish European, 0.00076%; no homozygotes.

Submissions (2):

Blueprint Genetics
Classification: Uncertain significance. Last evaluated: 2022-11-17. Review status: criteria provided, single submitter. Criteria: ACMG Guidelines, 2015. Collection method: clinical testing. Allele origin: germline.

Department of Pediatrics, 1st Faculty of Medicine, Charles University in Prague
Classification: Pathogenic for Developmental and epileptic encephalopathy, 61. Last evaluated: 2022-10-31. Review status: criteria provided, single submitter. Criteria: ACMG Guidelines, 2015. Collection method: clinical testing. Allele origin: biparental. Inheritance: Autosomal recessive inheritance. Affected: yes.
Comment: The variant is absent in gnomAD database. In vitro functional studies showed that Ser905Phe mutant protein has reduced binding capacity to a family of membrane-associated guanylate kinases compared to wild-type protein and represents a partial loss-of-function variant leading to milder phenotype. The Ser905Phe variant meets our criteria to be classified as pathogenic based upon segregation studies, absence from controls, and functional evidence.